The following is an entry in ClinVar:

ClinVar aggregate classification (germline): Uncertain significance (1 of 4 stars; one submission).

Conditions:
Monocytopenia with susceptibility to infections. Also called: MONOCYTOPENIA AND MYCOBACTERIAL INFECTION SYNDROME; MONOCYTOPENIA WITH SUSCEPTIBILITY TO MYCOBACTERIAL, FUNGAL, AND PAPILLOMAVIRUS INFECTIONS AND MYELODYSPLASIA; COMBINED IMMUNODEFICIENCY WITH SUSCEPTIBILITY TO MYCOBACTERIAL, VIRAL, AND FUNGAL INFECTIONS; Dendritic cell, monocyte, B lymphocyte, and natural killer lymphocyte deficiency; IMMUNODEFICIENCY 21; GATA2 DEFICIENCY. Identifiers: Orphanet 228423, MedGen C3280030, MONDO:0013607, OMIM 614172.
Deafness-lymphedema-leukemia syndrome. Also called: Lymphedema, primary, with myelodysplasia; Emberger syndrome. Identifiers: Orphanet 3226, MedGen C3279664, MONDO:0013540, OMIM 614038.

gnomAD v4.1: 2 of 1,575,850 alleles (0.00013%); highest among the groups gnomAD compares: Non-Finnish European, 0.000086%; no homozygotes.

Submission:

Labcorp Genetics (formerly Invitae), Labcorp
Classification: Uncertain significance for Monocytopenia with susceptibility to infections; Deafness-lymphedema-leukemia syndrome. Last evaluated: 2025-02-13. Review status: criteria provided, single submitter. Criteria: Invitae Variant Classification Sherloc (09022015). Collection method: clinical testing. Allele origin: germline.
Comment: This sequence change replaces methionine, which is neutral and non-polar, with valine, which is neutral and non-polar, at codon 479 of the GATA2 protein (p.Met479Val). This variant is not present in population databases (gnomAD no frequency). This variant has not been reported in the literature in individuals affected with GATA2-related conditions. Invitae Evidence Modeling of protein sequence and biophysical properties (such as structural, functional, and spatial information, amino acid conservation, physicochemical variation, residue mobility, and thermodynamic stability) has been performed for this missense variant. However, the output from this modeling did not meet the statistical confidence thresholds required to predict the impact of this variant on GATA2 protein function. In summary, the available evidence is currently insufficient to determine the role of this variant in disease. Therefore, it has been classified as a Variant of Uncertain Significance.

NM_032638.5(GATA2):c.1435A>G (p.Met479Val)

Gene: GATA2 (GATA binding protein 2; minus strand). Cytogenetic location: 3q21.3.
Variant type: single nucleotide variant.
Coding change: c.1435A>G on transcript NM_032638.5 (MANE Select); coding-DNA position 1435, A replaced by G.
Protein change: p.Met479Val; replaces methionine 479 with valine.
Molecular consequence: missense variant.
Genome position (GRCh38, 1-based): chr3:128,481,027, T>C on the plus strand (A>G on the coding strand, the complement: GATA2 is on the minus strand). VCF-style: chr3-128481027-T-C. GRCh37 (hg19) VCF-style: chr3-128199870-T-C.
Other names: c.1435A>G, p.Met479Val (NM_001145661.2); c.1393A>G, p.Met465Val (NM_001145662.1); short protein forms M479V, M465V.
Identifiers: ClinVar variation 4789518 (VCV004789518.1).